The following is an entry in ClinVar:

ClinVar aggregate classification (germline): Uncertain significance (1 of 4 stars; one submission).

Conditions:
Early-infantile DEE. Also called: Early infantile epileptic encephalopathy; Early infantile epileptic encephalopathy with suppression bursts; Ohtahara syndrome. Identifiers: Orphanet 1934, MedGen C0393706, MONDO:0800491.

Submission:

Labcorp Genetics (formerly Invitae), Labcorp
Classification: Uncertain significance for Early-infantile DEE. Last evaluated: 2023-05-23. Review status: criteria provided, single submitter. Criteria: Invitae Variant Classification Sherloc (09022015). Collection method: clinical testing. Allele origin: germline.
Comment: The SCN8A gene has multiple clinically relevant transcripts. This variant occurs in alternate transcript NM_001330260.1, and corresponds to NM_014191.3:c.706+172G>A in the primary transcript. This sequence change replaces valine, which is neutral and non-polar, with methionine, which is neutral and non-polar, at codon 211 of the SCN8A protein (p.Val211Met). In summary, the available evidence is currently insufficient to determine the role of this variant in disease. Therefore, it has been classified as a Variant of Uncertain Significance. This variant disrupts the p.Val211 amino acid residue in SCN8A. Other variant(s) that disrupt this residue have been determined to be pathogenic (PMID: 29121005). This suggests that this residue is clinically significant, and that variants that disrupt this residue are likely to be disease-causing. Algorithms developed to predict the effect of sequence changes on RNA splicing suggest that this variant is not likely to affect RNA splicing. Experimental studies and prediction algorithms are not available or were not evaluated, and the functional significance of this variant is currently unknown. ClinVar contains an entry for this variant (Variation ID: 1654223). This variant has not been reported in the literature in individuals affected with SCN8A-related conditions. This variant is not present in population databases (gnomAD no frequency).

Literature cited by the submitters: PubMed 29121005.

NM_001330260.2(SCN8A):c.631G>A (p.Val211Met)

Gene: SCN8A (sodium voltage-gated channel alpha subunit 8; plus strand). Cytogenetic location: 12q13.13.
Variant type: single nucleotide variant.
Coding change: c.631G>A on transcript NM_001330260.2 (MANE Select); coding-DNA position 631, G replaced by A.
Protein change: p.Val211Met; replaces valine 211 with methionine.
Molecular consequence: missense variant. On other transcripts: intron variant (2).
Genome position (GRCh38, 1-based): chr12:51,689,021, G>A. VCF-style: chr12-51689021-G-A. GRCh37 (hg19) VCF-style: chr12-52082805-G-A.
Other names: c.631G>A, p.Val211Met (NM_001369788.1); c.706+172G>A (NM_014191.4, NM_001177984.3); short protein forms V211M.
Identifiers: ClinVar variation 1654223 (VCV001654223.9), dbSNP rs2138716617, ClinGen allele CA385224418.